The following is an entry in ClinVar:

NM_000222.3(KIT):c.1016C>T (p.Ala339Val)

Gene: KIT (KIT proto-oncogene, receptor tyrosine kinase; plus strand). Cytogenetic location: 4q12.
Variant type: single nucleotide variant.
Coding change: c.1016C>T on transcript NM_000222.3 (MANE Select); coding-DNA position 1016, C replaced by T.
Protein change: p.Ala339Val; replaces alanine 339 with valine.
Molecular consequence: missense variant.
Genome position (GRCh38, 1-based): chr4:54,707,188, C>T. VCF-style: chr4-54707188-C-T. GRCh37 (hg19) VCF-style: chr4-55573354-C-T.
Other names: c.1016C>T, p.Ala339Val (NM_001093772.2, NM_001385285.1, NM_001385286.1); c.1019C>T, p.Ala340Val (NM_001385284.1, NM_001385288.1, NM_001385290.1 and 1 more transcripts); short protein forms A339V, A340V.
Identifiers: ClinVar variation 3648958 (VCV003648958.2).

ClinVar aggregate classification (germline): Uncertain significance (1 of 4 stars; one submission).

Conditions:
Gastrointestinal stromal tumor. Also called: Gastrointestinal stromal tumor, somatic; Gastrointestinal stroma tumor. Identifiers: Orphanet 44890, MedGen C0238198, MeSH D046152, MONDO:0011719, OMIM 606764, HP:0100723.

Submission:

Labcorp Genetics (formerly Invitae), Labcorp
Classification: Uncertain significance for Gastrointestinal stromal tumor. Last evaluated: 2024-10-10. Review status: criteria provided, single submitter. Criteria: Invitae Variant Classification Sherloc (09022015). Collection method: clinical testing. Allele origin: germline.
Comment: This sequence change replaces alanine, which is neutral and non-polar, with valine, which is neutral and non-polar, at codon 339 of the KIT protein (p.Ala339Val). This variant is not present in population databases (gnomAD no frequency). This variant has not been reported in the literature in individuals affected with KIT-related conditions. An algorithm developed to predict the effect of missense changes on protein structure and function (PolyPhen-2) suggests that this variant is likely to be disruptive. In summary, the available evidence is currently insufficient to determine the role of this variant in disease. Therefore, it has been classified as a Variant of Uncertain Significance.